The following is an entry in ClinVar:

ClinVar aggregate classification (germline): Uncertain significance. Review status: criteria provided, multiple submitters, no conflicts (2 of 4 stars). 3 submissions from 3 submitters: Uncertain significance (3). Last evaluated 2025-10-22.

Allele frequency attached by ClinVar (database versions not stated): gnomAD 0.00001; TOPMed 0.00003; gnomAD exomes 0.00005 and 0.00007.

Submissions (3):

Mayo Clinic Laboratories, Mayo Clinic
Classification: Uncertain significance. Last evaluated: 2025-10-22. Review status: criteria provided, single submitter. Criteria: ACMG Guidelines, 2015. Collection method: clinical testing. Allele origin: germline. Observed: 1 variant allele.
Comment: PM2_supporting

Labcorp Genetics (formerly Invitae), Labcorp
Classification: Uncertain significance. Last evaluated: 2022-10-22. Review status: criteria provided, single submitter. Criteria: Invitae Variant Classification Sherloc (09022015). Collection method: clinical testing. Allele origin: germline.
Comment: This sequence change replaces arginine, which is basic and polar, with tryptophan, which is neutral and slightly polar, at codon 47 of the PDSS1 protein (p.Arg47Trp). This variant is present in population databases (rs756296695, gnomAD 0.04%). This variant has not been reported in the literature in individuals affected with PDSS1-related conditions. ClinVar contains an entry for this variant (Variation ID: 214979). Algorithms developed to predict the effect of missense changes on protein structure and function output the following: SIFT: "Not Available"; PolyPhen-2: "Benign"; Align-GVGD: "Not Available". The tryptophan amino acid residue is found in multiple mammalian species, which suggests that this missense change does not adversely affect protein function. In summary, the available evidence is currently insufficient to determine the role of this variant in disease. Therefore, it has been classified as a Variant of Uncertain Significance.

GeneDx
Classification: Uncertain significance. Last evaluated: 2022-06-17. Review status: criteria provided, single submitter. Criteria: GeneDx Variant Classification Process June 2021. Collection method: clinical testing. Allele origin: germline. Affected: yes.
Comment: In silico analysis supports that this missense variant does not alter protein structure/function; Has not been previously published as pathogenic or benign to our knowledge

NM_014317.5(PDSS1):c.139C>T (p.Arg47Trp)

Gene: PDSS1 (decaprenyl diphosphate synthase subunit 1; plus strand). Cytogenetic location: 10p12.1.
Variant type: single nucleotide variant.
Coding change: c.139C>T on transcript NM_014317.5 (MANE Select); coding-DNA position 139, C replaced by T.
Protein change: p.Arg47Trp; replaces arginine 47 with tryptophan.
Molecular consequence: missense variant. On other transcripts: 5 prime UTR variant (1).
Genome position (GRCh38, 1-based): chr10:26,702,171, C>T. VCF-style: chr10-26702171-C-T. GRCh37 (hg19) VCF-style: chr10-26991100-C-T.
Other names: p.R47W:CGG>TGG; p.Arg47Trp; c.139C>T, p.Arg47Trp (NM_001321978.2); c.-455C>T (NM_001321979.2); short protein forms R47W.
Identifiers: ClinVar variation 214979 (VCV000214979.8), dbSNP rs756296695, ClinGen allele CA322966.